The following is an entry in ClinVar:

ClinVar aggregate classification (germline): Likely benign (0 of 4 stars; one submission).

Conditions:
TENM4-related disorder. Also called: TENM4-related condition.

Submission:

PreventionGenetics, part of Exact Sciences
Classification: Likely benign for TENM4-related condition. Last evaluated: 2024-02-02. Review status: no assertion criteria provided. Collection method: clinical testing. Allele origin: germline.
Comment: This variant is classified as likely benign based on ACMG/AMP sequence variant interpretation guidelines (Richards et al. 2015 PMID: 25741868, with internal and published modifications).

NM_001098816.3(TENM4):c.533CGC[6] (p.Pro182_Leu183insPro)

Gene: TENM4 (teneurin transmembrane protein 4; minus strand). Cytogenetic location: 11q14.1.
Variant type: Microsatellite.
Coding change: c.533CGC[6] on transcript NM_001098816.3 (MANE Select); six copies in a row of the 3-base unit CGC starting at c.533; the reference has five copies in a row; one copy, 3 bases duplicated.
Protein change: p.Pro182_Leu183insPro.
Genome position (GRCh38, 1-based): chr11:78,903,470-78,903,472, GCG duplicated on the plus strand (CGC on the coding strand, the reverse complement: TENM4 is on the minus strand); duplicating any 3 consecutive bases within chr11:78,903,470-78,903,484 gives the same sequence; the position shown is the placement nearest the transcript's 3' end. VCF-style (leftmost placement, unchanged base first): chr11-78903469-A-AGCG. GRCh37 (hg19) VCF-style: chr11-78614514-A-AGCG.
Identifiers: ClinVar variation 3044014 (VCV003044014.2), dbSNP rs530560272, ClinGen allele CA6207662.